The following is an entry in ClinVar:

ClinVar aggregate classification (germline): Uncertain significance (1 of 4 stars; one submission).

gnomAD v4.1: 1 of 1,603,264 alleles (0.000062%); highest among the groups gnomAD compares: Non-Finnish European, 0.000085%; no homozygotes.

Submission:

Labcorp Genetics (formerly Invitae), Labcorp
Classification: Uncertain significance. Last evaluated: 2024-12-04. Review status: criteria provided, single submitter. Criteria: Invitae Variant Classification Sherloc (09022015). Collection method: clinical testing. Allele origin: germline.
Comment: This sequence change affects an acceptor splice site in intron 21 of the LARS2 gene. While this variant is not anticipated to result in nonsense mediated decay, it likely alters RNA splicing and results in a disrupted protein product. This variant is not present in population databases (gnomAD no frequency). This variant has not been reported in the literature in individuals affected with LARS2-related conditions. Variants that disrupt the consensus splice site are a relatively common cause of aberrant splicing (PMID: 17576681, 9536098). Algorithms developed to predict the effect of sequence changes on RNA splicing suggest that this variant may disrupt the consensus splice site. In summary, the available evidence is currently insufficient to determine the role of this variant in disease. Therefore, it has been classified as a Variant of Uncertain Significance.

Literature cited by the submitters: PubMed 17576681; PubMed 9536098.

NM_015340.4(LARS2):c.2533-1G>A

Gene: LARS2 (leucyl-tRNA synthetase 2, mitochondrial; plus strand). Cytogenetic location: 3p21.31.
Variant type: single nucleotide variant.
Coding change: c.2533-1G>A on transcript NM_015340.4 (MANE Select); the canonical splice acceptor site of the intron before coding-DNA position 2533, G replaced by A.
Molecular consequence: splice acceptor variant.
Genome position (GRCh38, 1-based): chr3:45,547,350, G>A. VCF-style: chr3-45547350-G-A. GRCh37 (hg19) VCF-style: chr3-45588842-G-A.
Other names: c.2533-1G>A (NM_001368263.1).
Identifiers: ClinVar variation 3692774 (VCV003692774.2).
Genomic context (GRCh38, chr3:45,547,350, plus strand): 5'-TGGGCCGCCTGCCACTCTGAGGATGTTCCTCATTGTTTATCTTGGCTTTTCTCCTTCTCA[G>A]ATCAACAATAAAGCTTGTGGCAAAATTCCTGTGCCCCAACAAGTTGCCCGGGACCAGGAC-3'